The following is an entry in ClinVar:

ClinVar aggregate classification (germline): Uncertain significance (1 of 4 stars; one submission).

Conditions:
Autosomal dominant epilepsy with auditory features. Identifiers: Orphanet 101046, MedGen C1838062, MONDO:0010898.

Allele frequency attached by ClinVar (database versions not stated): gnomAD exomes below 0.00001; gnomAD 0.00001.
gnomAD v4.1: 4 of 1,614,090 alleles (0.00025%); highest among the groups gnomAD compares: Admixed American, 0.0017%; no homozygotes.

Submission:

Labcorp Genetics (formerly Invitae), Labcorp
Classification: Uncertain significance for Autosomal dominant epilepsy with auditory features. Last evaluated: 2024-08-20. Review status: criteria provided, single submitter. Criteria: Invitae Variant Classification Sherloc (09022015). Collection method: clinical testing. Allele origin: germline.
Comment: This sequence change replaces valine, which is neutral and non-polar, with alanine, which is neutral and non-polar, at codon 347 of the LGI1 protein (p.Val347Ala). This variant is not present in population databases (gnomAD no frequency). This variant has not been reported in the literature in individuals affected with LGI1-related conditions. ClinVar contains an entry for this variant (Variation ID: 653734). Invitae Evidence Modeling of protein sequence and biophysical properties (such as structural, functional, and spatial information, amino acid conservation, physicochemical variation, residue mobility, and thermodynamic stability) indicates that this missense variant is not expected to disrupt LGI1 protein function with a negative predictive value of 80%. In summary, the available evidence is currently insufficient to determine the role of this variant in disease. Therefore, it has been classified as a Variant of Uncertain Significance.

NM_005097.4(LGI1):c.1040T>C (p.Val347Ala)

Gene: LGI1 (leucine rich glioma inactivated 1; plus strand). Cytogenetic location: 10q23.33.
Variant type: single nucleotide variant.
Coding change: c.1040T>C on transcript NM_005097.4 (MANE Select); coding-DNA position 1040, T replaced by C.
Protein change: p.Val347Ala; replaces valine 347 with alanine.
Molecular consequence: missense variant. On other transcripts: non-coding transcript variant (1), intron variant (1).
Genome position (GRCh38, 1-based): chr10:93,797,169, T>C. VCF-style: chr10-93797169-T-C. GRCh37 (hg19) VCF-style: chr10-95556926-T-C.
Other names: c.896T>C, p.Val299Ala (NM_001308276.2); c.839-580T>C (NM_001308275.2); short protein forms V299A, V347A.
Identifiers: ClinVar variation 653734 (VCV000653734.10), dbSNP rs1589775794, ClinGen allele CA377627240.